The following is an entry in ClinVar:

ClinVar aggregate classification (germline): Uncertain significance (1 of 4 stars; one submission).

Conditions:
Arrhythmogenic right ventricular dysplasia 11. Also called: ARRHYTHMOGENIC RIGHT VENTRICULAR DYSPLASIA, FAMILIAL, 11; Arrhythmogenic Right Ventricular Dysplasia/Cardiomyopathy11; Arrhythmogenic right ventricular dysplasia 11 with mild palmoplantar keratoderma and woolly hair. Identifiers: MedGen C1864850, MONDO:0012506, OMIM 610476.

Submission:

Labcorp Genetics (formerly Invitae), Labcorp
Classification: Uncertain significance for Arrhythmogenic right ventricular dysplasia 11. Last evaluated: 2023-05-01. Review status: criteria provided, single submitter. Criteria: Invitae Variant Classification Sherloc (09022015). Collection method: clinical testing. Allele origin: germline.
Comment: In summary, the available evidence is currently insufficient to determine the role of this variant in disease. Therefore, it has been classified as a Variant of Uncertain Significance. Advanced modeling of protein sequence and biophysical properties (such as structural, functional, and spatial information, amino acid conservation, physicochemical variation, residue mobility, and thermodynamic stability) performed at Invitae indicates that this missense variant is not expected to disrupt DSC2 protein function. This variant has not been reported in the literature in individuals affected with DSC2-related conditions. This variant is not present in population databases (gnomAD no frequency). This sequence change replaces threonine, which is neutral and polar, with isoleucine, which is neutral and non-polar, at codon 21 of the DSC2 protein (p.Thr21Ile).

NM_024422.6(DSC2):c.62C>T (p.Thr21Ile)

Genes: DSC2 (desmocollin 2; minus strand), DSCAS (DSC1/DSC2 antisense RNA; plus strand). Cytogenetic location: 18q12.1.
Variant type: single nucleotide variant.
Coding change: c.62C>T on transcript NM_024422.6 (MANE Select); coding-DNA position 62, C replaced by T.
Protein change: p.Thr21Ile; replaces threonine 21 with isoleucine.
Molecular consequence: missense variant.
Genome position (GRCh38, 1-based): chr18:31,101,910, G>A on the plus strand (C>T on the coding strand, the complement: DSC2 is on the minus strand). VCF-style: chr18-31101910-G-A. GRCh37 (hg19) VCF-style: chr18-28681873-G-A.
Other names: c.62C>T, p.Thr21Ile (NM_004949.5); short protein forms T21I.
Identifiers: ClinVar variation 3011398 (VCV003011398.3), dbSNP rs931909783, ClinGen allele CA402115216.
Genomic context (GRCh38, chr18:31,101,910, plus strand): 5'-GCACCCTAGGCGATCGCCCCCTTCCCCGGAGCGGTGGCCGCGGCTACACTCACCGCGAGG[G>A]TCAGCAGGAGCAGCCGGCAGAGGGCTCCGTTCCAGGAGCCGGAGGGGCGGGCTGCCTCCA-3'
Protein context (NP_077740.1, residues 11-31): NGALCRLLLL[Thr21Ile]LAILIFASDA